The following is an entry in ClinVar:

NM_007294.4(BRCA1):c.442-1431G>A

Gene: BRCA1 (BRCA1 DNA repair associated; minus strand). Cytogenetic location: 17q21.31.
Variant type: single nucleotide variant.
Coding change: c.442-1431G>A on transcript NM_007294.4 (MANE Select); 1431 bases into the intron before coding-DNA position 442, G replaced by A.
Molecular consequence: intron variant.
Genome position (GRCh38, 1-based): chr17:43,101,311, C>T on the plus strand (G>A on the coding strand, the complement: BRCA1 is on the minus strand). VCF-style: chr17-43101311-C-T. GRCh37 (hg19) VCF-style: chr17-41253328-C-T.
Other names: IVS 7-1431G>A; c.301-1431G>A (NM_001408458.1, NM_001407922.1, NM_001408469.1 and 61 more transcripts); c.-218-6451G>A (NM_001407967.1, NM_001407966.1); c.61-1431G>A (NM_001407959.1, NM_001408512.1, NM_001408510.1 and 3 more transcripts); c.301-1434G>A (NM_001407931.1, NM_001407747.1, NM_001408470.1 and 35 more transcripts); c.61-1434G>A (NM_001407962.1); c.232-1431G>A (NM_001407885.1, NM_001407886.1, NM_001407881.1 and 37 more transcripts); c.442-1434G>A (NM_001407686.1, NM_001408397.1, NM_001407632.1 and 65 more transcripts); and 6 more.
Identifiers: ClinVar variation 209475 (VCV000209475.2), dbSNP rs111387199, ClinGen allele CA276445.

ClinVar aggregate classification (germline): Benign (3 of 4 stars; one submission).

Conditions:
Breast-ovarian cancer, familial, susceptibility to, 1 (BROVCA1). Also called: BRCA1 Hereditary Breast and Ovarian Cancer; OVARIAN CANCER, SUSCEPTIBILITY TO. Identifiers: Orphanet 145, MedGen C2676676, MONDO:0011450, OMIM 604370. Disease mechanism: loss of function.

Allele frequency attached by ClinVar (database versions not stated): 1000 Genomes Project 30x 0.00250; gnomAD 0.00272 and 0.00297; TOPMed 0.00291; 1000 Genomes Project 0.00300.
gnomAD v4.1: 410 of 152,026 alleles (0.27%); highest among the groups gnomAD compares: African/African-American, 0.93%; 1 homozygote.

Submission:

Evidence-based Network for the Interpretation of Germline Mutant Alleles (ENIGMA)
Classification: Benign for Breast-ovarian cancer, familial 1. Last evaluated: 2015-01-12. Review status: reviewed by expert panel. Criteria: ENIGMA BRCA1/2 Classification Criteria (2015). Collection method: curation. Allele origin: germline.
Comment: Class 1 not pathogenic based on frequency >1% in an outbred sampleset. Frequency 0.01423 (African), derived from 1000 genomes (2012-04-30).